The following is an entry in ClinVar:

NM_006206.6(PDGFRA):c.628+1G>T

Gene: PDGFRA (platelet derived growth factor receptor alpha; plus strand). Cytogenetic location: 4q12.
Variant type: single nucleotide variant.
Coding change: c.628+1G>T on transcript NM_006206.6 (MANE Select); the canonical splice donor site of the intron after coding-DNA position 628, G replaced by T.
Molecular consequence: splice donor variant.
Genome position (GRCh38, 1-based): chr4:54,263,928, G>T. VCF-style: chr4-54263928-G-T. GRCh37 (hg19) VCF-style: chr4-55130095-G-T.
Other names: c.703+1G>T (NM_001347828.2); c.628+1G>T (NM_001347827.2, NM_001347829.2); c.667+1G>T (NM_001347830.2).
Identifiers: ClinVar variation 3887365 (VCV003887365.1).

ClinVar aggregate classification (germline): Uncertain significance (1 of 4 stars; one submission).

Conditions:
Hereditary cancer-predisposing syndrome. Also called: Tumor predisposition; Neoplastic Syndromes, Hereditary; Hereditary Cancer Syndrome; Hereditary neoplastic syndrome. Identifiers: Orphanet 140162, MedGen C0027672, MeSH D009386, MONDO:0015356.

Submission:

Ambry Genetics
Classification: Uncertain significance for Hereditary cancer-predisposing syndrome. Last evaluated: 2025-02-28. Review status: criteria provided, single submitter. Criteria: Ambry Variant Classification Scheme 2023. Collection method: clinical testing. Allele origin: germline.
Comment: The c.628+1G>T intronic variant results from a G to T substitution one nucleotide after coding exon 3 of the PDGFRA gene. This nucleotide position is highly conserved in available vertebrate species. In silico splice site analysis predicts that this alteration will weaken the native splice donor site. Alterations that disrupt the canonical splice site are expected to cause aberrant splicing, resulting in an abnormal protein or a transcript that is subject to nonsense-mediated mRNA decay. However, loss of function of PDGFRA has not been established as a mechanism of disease. Based on the available evidence, the clinical significance of this alteration remains unclear.